The following is an entry in ClinVar:

NM_001256071.3(RNF213):c.12895G>A (p.Gly4299Ser)

Genes: RNF213 (ring finger protein 213; plus strand), RNF213-AS1 (RNF213 antisense RNA 1; minus strand). Cytogenetic location: 17q25.3.
Variant type: single nucleotide variant.
Coding change: c.12895G>A on transcript NM_001256071.3 (MANE Select); coding-DNA position 12895, G replaced by A.
Protein change: p.Gly4299Ser; replaces glycine 4299 with serine.
Molecular consequence: missense variant.
Genome position (GRCh38, 1-based): chr17:80,373,118, G>A. VCF-style: chr17-80373118-G-A. GRCh37 (hg19) VCF-style: chr17-78346918-G-A.
Other names: c.13042G>A, p.Gly4348Ser (NM_001410195.1, NM_020914.5); short protein forms G4299S, G4348S.
Identifiers: ClinVar variation 4883420 (VCV004883420.2).

ClinVar aggregate classification (germline): Uncertain significance (1 of 4 stars; one submission).

Conditions:
Moyamoya disease 2 (MYMY2). Also called: MOYAMOYA DISEASE 2, SUSCEPTIBILITY TO. Identifiers: Orphanet 2573, MedGen C1846689, MONDO:0011784, OMIM 607151.

gnomAD v4.1: 35 of 1,613,246 alleles (0.0022%); highest among the groups gnomAD compares: Middle Eastern, 0.067%; no homozygotes.

Submission:

Dasa
Classification: Uncertain significance for Moyamoya disease 2. Last evaluated: 2025-05-23. Review status: criteria provided, single submitter. Criteria: DASA Assertion Criteria. Collection method: clinical testing. Allele origin: germline.
Comment: NM_001256071.3(RNF213):c.12895G>A (p.Gly4299Ser) is a missense variant that results in the substitution of glycine with serine. This variant has been reported in individuals with RNF213-related disorders. Also, this variant is rare in population databases. Computational prediction algorithms are consistent with a benign effect. The currently available literature and clinical evidence are not sufficient to establish a definitive association between this variant and the reported condition. Therefore, this variant is classified as a variant of uncertain significance.